The following is an entry in ClinVar:

NM_000138.5(FBN1):c.5464G>A (p.Ala1822Thr)

Gene: FBN1 (fibrillin 1; minus strand). Cytogenetic location: 15q21.1.
Variant type: single nucleotide variant.
Coding change: c.5464G>A on transcript NM_000138.5 (MANE Select); coding-DNA position 5464, G replaced by A.
Protein change: p.Ala1822Thr; replaces alanine 1822 with threonine.
Molecular consequence: missense variant.
Genome position (GRCh38, 1-based): chr15:48,452,643, C>T on the plus strand (G>A on the coding strand, the complement: FBN1 is on the minus strand). VCF-style: chr15-48452643-C-T. GRCh37 (hg19) VCF-style: chr15-48744840-C-T.
Other names: short protein forms A1822T.
Identifiers: ClinVar variation 925058 (VCV000925058.20), dbSNP rs777539060, ClinGen allele CA055018.

ClinVar aggregate classification (germline): Uncertain significance. Review status: criteria provided, multiple submitters, no conflicts (2 of 4 stars). 7 submissions from 7 submitters: Uncertain significance (7). Last evaluated 2025-09-19.

Conditions:
Weill-Marchesani syndrome 2, dominant. Also called: FBN1-Related Weill-Marchesani Syndrome; Weill-Marchesani Syndrome, Autosomal Dominant. Identifiers: Orphanet 2084, MedGen C1869115, MONDO:0012013, OMIM 608328.
Progeroid and marfanoid aspect-lipodystrophy syndrome. Also called: MARFANOID-PROGEROID SYNDROME; MARFAN-PROGEROID-LIPODYSTROPHY SYNDROME; Marfan lipodystrophy syndrome; MARFANOID-PROGEROID-LIPODYSTROPHY SYNDROME. Identifiers: Orphanet 300382, MedGen C4310796, MONDO:0014831, OMIM 616914.
Acromicric dysplasia (ACMICD). Also called: Acromicric skeletal dysplasia. Identifiers: Orphanet 969, MedGen C0265287, MONDO:0007055, OMIM 102370.
Ectopia lentis 1, isolated, autosomal dominant (ECTOL1). Identifiers: Orphanet 1885, MedGen C3541518, MONDO:0007514, OMIM 129600.
Geleophysic dysplasia 2 (GPHYSD2). Identifiers: Orphanet 2623, MedGen C3280054, MONDO:0013612, OMIM 614185.
Marfan syndrome (MFS). Also called: Marfan syndrome, classic; Marfan syndrome type 1; Marfan's syndrome; FBN1-Related Marfan Syndrome; MARFAN SYNDROME, TYPE I. Identifiers: Orphanet 284963, Orphanet 558, MedGen C0024796, MONDO:0007947, OMIM 154700.
MASS syndrome (OCTD). Also called: OVERLAP CONNECTIVE TISSUE DISEASE; MASS PHENOTYPE. Identifiers: MedGen C1858556, MONDO:0011431, OMIM 604308.
Stiff skin syndrome (SSKS). Identifiers: Orphanet 2833, MedGen C1861456, MONDO:0008492, OMIM 184900.
Familial thoracic aortic aneurysm and aortic dissection (TAAD). Also called: Thoracic aortic aneurysms and dissections. Identifiers: Orphanet 91387, MedGen C4707243, MONDO:0019625.

Allele frequency attached by ClinVar (database versions not stated): gnomAD 0.00001; TOPMed 0.00003.
gnomAD v4.1: 25 of 1,614,024 alleles (0.0015%); highest among the groups gnomAD compares: Non-Finnish European, 0.0019%; no homozygotes.

Submissions (7):

Labcorp Genetics (formerly Invitae), Labcorp
Classification: Uncertain significance for Marfan syndrome; Familial thoracic aortic aneurysm and aortic dissection. Last evaluated: 2025-09-19. Review status: criteria provided, single submitter. Criteria: Invitae Variant Classification Sherloc (09022015). Collection method: clinical testing. Allele origin: germline.
Comment: This sequence change replaces alanine, which is neutral and non-polar, with threonine, which is neutral and polar, at codon 1822 of the FBN1 protein (p.Ala1822Thr). This variant is present in population databases (rs777539060, gnomAD 0.003%). This missense change has been observed in individual(s) with clinical features of Marfan syndrome (internal data). ClinVar contains an entry for this variant (Variation ID: 925058). Invitae Evidence Modeling of protein sequence and biophysical properties (such as structural, functional, and spatial information, amino acid conservation, physicochemical variation, residue mobility, and thermodynamic stability) indicates that this missense variant is expected to disrupt FBN1 protein function with a positive predictive value of 95%. In summary, the available evidence is currently insufficient to determine the role of this variant in disease. Therefore, it has been classified as a Variant of Uncertain Significance.

GeneDx
Classification: Uncertain significance. Last evaluated: 2025-04-18. Review status: criteria provided, single submitter. Criteria: GeneDx Variant Classification Process June 2021. Collection method: clinical testing. Allele origin: germline. Affected: yes.
Comment: Not observed at significant frequency in large population cohorts (gnomAD); In silico analysis supports that this missense variant has a deleterious effect on protein structure/function; Has not been previously published as pathogenic or benign to our knowledge; Does not affect a cysteine or calcium-binding residue within an EGF-like domain or a TGF-binding protein domain of the FBN1 gene; cysteine substitutions in the EGF-like domains represent the majority of pathogenic missense changes associated with FBN1-related disorders (PMID: 12938084); This variant is associated with the following publications: (PMID: 12938084)

All of Us Research Program, National Institutes of Health
Classification: Uncertain significance for Marfan syndrome. Last evaluated: 2024-08-06. Review status: criteria provided, single submitter. Criteria: ACMG Guidelines, 2015. Collection method: clinical testing. Allele origin: germline. Inheritance: Autosomal dominant inheritance. Observed: 7 variant alleles, 7 heterozygotes.
Comment: This missense variant replaces alanine with threonine at codon 1822 of the FBN1 protein. Computational prediction tools and conservation analyses suggest that this variant may have deleterious impact on the protein function. Computational splicing tools suggest that this variant may not impact RNA splicing. To our knowledge, functional assays have not been performed for this variant nor has this variant been reported in individuals affected with cardiovascular disorders in the literature. This variant has been identified in 4/251206 chromosomes in the general population by the Genome Aggregation Database (gnomAD). Available evidence is insufficient to determine the role of this variant in disease conclusively. Therefore, this variant is classified as a Variant of Uncertain Significance.

This study involves interpretation of variants in research participants for the purpose of population health screening. Participant phenotype was not available at the time of variant classification. Additional details can be found in publication PMID: 35346344, PMCID: PMC8962531

Color Diagnostics, LLC DBA Color Health
Classification: Uncertain significance for Familial thoracic aortic aneurysm and aortic dissection. Last evaluated: 2024-07-18. Review status: criteria provided, single submitter. Criteria: ACMG Guidelines, 2015. Collection method: clinical testing. Allele origin: germline.
Comment: This missense variant replaces alanine with threonine at codon 1822 of the FBN1 protein. Computational prediction is inconclusive regarding the impact of this variant on protein structure and function. To our knowledge, functional studies have not been reported for this variant. This variant has not been reported in individuals affected with FBN1-related disorders in the literature. This variant has been identified in 4/251206 chromosomes in the general population by the Genome Aggregation Database (gnomAD). The available evidence is insufficient to determine the role of this variant in disease conclusively. Therefore, this variant is classified as a Variant of Uncertain Significance.

Blueprint Genetics
Classification: Uncertain significance. Last evaluated: 2024-01-19. Review status: criteria provided, single submitter. Criteria: ACMG Guidelines, 2015. Collection method: clinical testing. Allele origin: germline.

Clinical Genetics Laboratory, Skane University Hospital Lund
Classification: Uncertain significance. Last evaluated: 2022-05-27. Review status: criteria provided, single submitter. Criteria: ACMG Guidelines, 2015. Collection method: clinical testing. Allele origin: germline. Affected: yes.

Fulgent Genetics
Classification: Uncertain significance for Acromicric dysplasia; Ectopia lentis 1, isolated, autosomal dominant; Marfan syndrome; Stiff skin syndrome; MASS syndrome; Weill-Marchesani syndrome 2, dominant; Geleophysic dysplasia 2; Progeroid and marfanoid aspect-lipodystrophy syndrome. Last evaluated: 2021-10-29. Review status: criteria provided, single submitter. Criteria: ACMG Guidelines, 2015. Collection method: clinical testing. Allele origin: unknown.